The following is an entry in ClinVar:

NM_000540.3(RYR1):c.12241_12242del (p.Thr4081fs)

Gene: RYR1 (ryanodine receptor 1; plus strand). Cytogenetic location: 19q13.2.
Variant type: Deletion.
Coding change: c.12241_12242del on transcript NM_000540.3 (MANE Select); coding-DNA positions 12241 to 12242, 2 bases deleted (AC; older notation c.12241_12242delAC).
Protein change: p.Thr4081fs; shifts the reading frame from threonine 4081.
Molecular consequence: frameshift variant.
Genome position (GRCh38, 1-based): chr19:38,548,379-38,548,380, AC deleted. VCF-style (leftmost placement, unchanged base first): chr19-38548378-AAC-A. GRCh37 (hg19) VCF-style: chr19-39039018-AAC-A.
Other names: c.12226_12227del, p.Thr4076fs (NM_001042723.2); c.12241_12242delAC (NM_000540.2); short protein forms T4076fs, T4081fs.
Identifiers: ClinVar variation 478169 (VCV000478169.6), dbSNP rs755659741, ClinGen allele CA058497.

ClinVar aggregate classification (germline): Pathogenic (1 of 4 stars; one submission).

Conditions:
RYR1-related disorder. Also called: RYR1-related condition; RYR1-related disorders. Identifiers: MedGen CN239331.

Allele frequency attached by ClinVar (database versions not stated): gnomAD exomes below 0.00001; ExAC 0.00001.

Submission:

Labcorp Genetics (formerly Invitae), Labcorp
Classification: Pathogenic for RYR1-related disorder. Last evaluated: 2017-06-10. Review status: criteria provided, single submitter. Criteria: Invitae Variant Classification Sherloc (09022015). Collection method: clinical testing. Allele origin: germline.
Comment: For these reasons, this variant has been classified as Pathogenic. Loss-of-function variants are known to be pathogenic for autosomal recessive RYR1-related conditions (PMID: 23919265, 20583297). This variant has not been reported in the literature in individuals with a RYR1-related disease. This variant is present in population databases (rs755659741, ExAC 0.001%). This sequence change creates a premature translational stop signal (p.Thr4081Glyfs*37) in the RYR1 gene. It is expected to result in an absent or disrupted protein product.

Literature cited by the submitters: PubMed 23919265; PubMed 20583297.